The following is an entry in ClinVar:

ClinVar aggregate classification (germline): Uncertain significance (1 of 4 stars; one submission).

Submission:

Labcorp Genetics (formerly Invitae), Labcorp
Classification: Uncertain significance. Last evaluated: 2019-07-24. Review status: criteria provided, single submitter. Criteria: Invitae Variant Classification Sherloc (09022015). Collection method: clinical testing. Allele origin: germline.
Comment: In summary, the available evidence is currently insufficient to determine the role of this variant in disease. Therefore, it has been classified as a Variant of Uncertain Significance. This sequence change replaces alanine with glycine at codon 468 of the MSH3 protein (p.Ala468Gly). The alanine residue is moderately conserved and there is a small physicochemical difference between alanine and glycine. Algorithms developed to predict the effect of missense changes on protein structure and function are either unavailable or do not agree on the potential impact of this missense change (SIFT: "Deleterious"; PolyPhen-2: "Probably Damaging"; Align-GVGD: "Class C0"). This variant is not present in population databases (ExAC no frequency). This variant has not been reported in the literature in individuals with MSH3-related conditions.

NM_002439.5(MSH3):c.1403C>G (p.Ala468Gly)

Gene: MSH3 (mutS homolog 3; plus strand). Cytogenetic location: 5q14.1.
Variant type: single nucleotide variant.
Coding change: c.1403C>G on transcript NM_002439.5 (MANE Select); coding-DNA position 1403, C replaced by G.
Protein change: p.Ala468Gly; replaces alanine 468 with glycine.
Molecular consequence: missense variant.
Genome position (GRCh38, 1-based): chr5:80,725,515, C>G. VCF-style: chr5-80725515-C-G. GRCh37 (hg19) VCF-style: chr5-80021334-C-G.
Other names: short protein forms A468G.
Identifiers: ClinVar variation 953354 (VCV000953354.9), dbSNP rs773779617, ClinGen allele CA360273571.